The following is an entry in ClinVar:

ClinVar aggregate classification (germline): Uncertain significance (1 of 4 stars; one submission).

Conditions:
Mitochondrial DNA depletion syndrome, encephalomyopathic form with methylmalonic aciduria (MTDPS5). Also called: SUCLA2-Related Mitochondrial DNA Depletion Syndrome, Encephalomyopathic Form with Methylmalonic Aciduria; Mitochondrial encephalomyopathy aminoacidopathy; MITOCHONDRIAL DNA DEPLETION SYNDROME, ENCEPHALOMYOPATHIC FORM, WITH OR WITHOUT METHYLMALONIC ACIDURIA, AUTOSOMAL RECESSIVE, SUCLA2-RELATED; Mitochondrial DNA depletion syndrome 5 (encephalomyopathic with or without methylmalonic aciduria). Identifiers: Orphanet 1933, MedGen C5980207, MONDO:0012791, OMIM 612073.

Submission:

Labcorp Genetics (formerly Invitae), Labcorp
Classification: Uncertain significance for Mitochondrial DNA depletion syndrome, encephalomyopathic form with methylmalonic aciduria. Last evaluated: 2021-12-02. Review status: criteria provided, single submitter. Criteria: Invitae Variant Classification Sherloc (09022015). Collection method: clinical testing. Allele origin: germline.
Comment: This sequence change replaces glycine, which is neutral and non-polar, with alanine, which is neutral and non-polar, at codon 146 of the SUCLA2 protein (p.Gly146Ala). This variant is not present in population databases (gnomAD no frequency). This variant has not been reported in the literature in individuals affected with SUCLA2-related conditions. Algorithms developed to predict the effect of missense changes on protein structure and function are either unavailable or do not agree on the potential impact of this missense change (SIFT: "Deleterious"; PolyPhen-2: "Possibly Damaging"; Align-GVGD: "Class C0"). In summary, the available evidence is currently insufficient to determine the role of this variant in disease. Therefore, it has been classified as a Variant of Uncertain Significance.

NM_003850.3(SUCLA2):c.437G>C (p.Gly146Ala)

Gene: SUCLA2 (succinate-CoA ligase ADP-forming subunit beta; minus strand). Cytogenetic location: 13q14.2.
Variant type: single nucleotide variant.
Coding change: c.437G>C on transcript NM_003850.3 (MANE Select); coding-DNA position 437, G replaced by C.
Protein change: p.Gly146Ala; replaces glycine 146 with alanine.
Molecular consequence: missense variant.
Genome position (GRCh38, 1-based): chr13:47,988,638, C>G on the plus strand (G>C on the coding strand, the complement: SUCLA2 is on the minus strand). VCF-style: chr13-47988638-C-G. GRCh37 (hg19) VCF-style: chr13-48562773-C-G.
Other names: short protein forms G146A.
Identifiers: ClinVar variation 1391799 (VCV001391799.5), dbSNP rs2137743042, ClinGen allele CA388150689.